The following is an entry in ClinVar:

NM_005732.4(RAD50):c.2327G>C (p.Gly776Ala)

Gene: RAD50 (RAD50 double strand break repair protein; plus strand). Cytogenetic location: 5q31.1.
Variant type: single nucleotide variant.
Coding change: c.2327G>C on transcript NM_005732.4 (MANE Select); coding-DNA position 2327, G replaced by C.
Protein change: p.Gly776Ala; replaces glycine 776 with alanine.
Molecular consequence: missense variant.
Genome position (GRCh38, 1-based): chr5:132,603,419, G>C. VCF-style: chr5-132603419-G-C. GRCh37 (hg19) VCF-style: chr5-131939111-G-C.
Other names: short protein forms G776A.
Identifiers: ClinVar variation 821105 (VCV000821105.15), dbSNP rs1174525743, ClinGen allele CA360954677.

ClinVar aggregate classification (germline): Uncertain significance. Review status: criteria provided, multiple submitters, no conflicts (2 of 4 stars). 2 submissions from 2 submitters: Uncertain significance (2). Last evaluated 2025-06-25.

Conditions:
Hereditary cancer-predisposing syndrome. Also called: Neoplastic Syndromes, Hereditary; Tumor predisposition; Hereditary Cancer Syndrome; Hereditary neoplastic syndrome. Identifiers: Orphanet 140162, MedGen C0027672, MeSH D009386, MONDO:0015356.

gnomAD v4.1: 10 of 1,613,938 alleles (0.00062%); highest among the groups gnomAD compares: Non-Finnish European, 0.00085%; no homozygotes.

Submissions (2):

Ambry Genetics
Classification: Uncertain significance for Hereditary cancer-predisposing syndrome. Last evaluated: 2025-06-25. Review status: criteria provided, single submitter. Criteria: Ambry Variant Classification Scheme 2023. Collection method: clinical testing. Allele origin: germline.
Comment: The p.G776A variant (also known as c.2327G>C), located in coding exon 14 of the RAD50 gene, results from a G to C substitution at nucleotide position 2327. The glycine at codon 776 is replaced by alanine, an amino acid with similar properties. This amino acid position is poorly conserved in available vertebrate species. In addition, this alteration is predicted to be tolerated by in silico analysis. Since supporting evidence is limited at this time, the clinical significance of this alteration remains unclear.

Labcorp Genetics (formerly Invitae), Labcorp
Classification: Uncertain significance for Hereditary cancer-predisposing syndrome. Last evaluated: 2021-04-30. Review status: criteria provided, single submitter. Criteria: Invitae Variant Classification Sherloc (09022015). Collection method: clinical testing. Allele origin: germline.
Comment: This sequence change replaces glycine with alanine at codon 776 of the RAD50 protein (p.Gly776Ala). The glycine residue is moderately conserved and there is a small physicochemical difference between glycine and alanine. This variant is not present in population databases (ExAC no frequency). This variant has not been reported in the literature in individuals with RAD50-related conditions. Algorithms developed to predict the effect of missense changes on protein structure and function (SIFT, PolyPhen-2, Align-GVGD) all suggest that this variant is likely to be tolerated, but these predictions have not been confirmed by published functional studies and their clinical significance is uncertain. In summary, the available evidence is currently insufficient to determine the role of this variant in disease. Therefore, it has been classified as a Variant of Uncertain Significance.